The following is an entry in ClinVar:

ClinVar aggregate classification (germline): Conflicting classifications of pathogenicity. Review status: criteria provided, conflicting classifications (1 of 4 stars). 4 submissions from 4 submitters: Uncertain significance (1); Likely benign (2). 1 of the submissions does not count toward it. Last evaluated 2025-10-21.

Conditions:
ITSN2-related disorder. Also called: ITSN2-related condition.

Allele frequency attached by ClinVar (database versions not stated): 1000 Genomes Project 30x 0.00031; 1000 Genomes Project 0.00040; ExAC 0.00070; ESP Exome Variant Server 0.00077; gnomAD 0.00088; TOPMed 0.00100.
gnomAD v4.1: 1,967 of 1,613,830 alleles (0.12%); highest among the groups gnomAD compares: Middle Eastern, 0.2%; 5 homozygotes.

Submissions (4):

Labcorp Genetics (formerly Invitae), Labcorp
Classification: Likely benign. Last evaluated: 2025-10-21. Review status: criteria provided, single submitter. Criteria: Invitae Variant Classification Sherloc (09022015). Collection method: clinical testing. Allele origin: germline.

CeGaT Center for Human Genetics Tuebingen
Classification: Likely benign. Last evaluated: 2025-04-01. Review status: criteria provided, single submitter. Criteria: CeGaT Center For Human Genetics Tuebingen Variant Classification Criteria Version 2. Collection method: clinical testing. Allele origin: germline. Affected: yes. Observed: 1 variant allele.
Comment: ITSN2: BS1

Ambry Genetics
Classification: Uncertain significance. Last evaluated: 2021-07-13. Review status: criteria provided, single submitter. Criteria: Ambry Variant Classification Scheme 2023. Collection method: clinical testing. Allele origin: germline.

PreventionGenetics, part of Exact Sciences
Classification: Likely benign for ITSN2-related condition. Last evaluated: 2020-06-23. Review status: no assertion criteria provided. Collection method: clinical testing. Allele origin: germline. Not counted in ClinVar's aggregate classification.
Comment: This variant is classified as likely benign based on ACMG/AMP sequence variant interpretation guidelines (Richards et al. 2015 PMID: 25741868, with internal and published modifications).

NM_006277.3(ITSN2):c.2660C>A (p.Ser887Tyr)

Gene: ITSN2 (intersectin 2; minus strand). Cytogenetic location: 2p23.3.
Variant type: single nucleotide variant.
Coding change: c.2660C>A on transcript NM_006277.3 (MANE Select); coding-DNA position 2660, C replaced by A.
Protein change: p.Ser887Tyr; replaces serine 887 with tyrosine.
Molecular consequence: missense variant.
Genome position (GRCh38, 1-based): chr2:24,261,128, G>T on the plus strand (C>A on the coding strand, the complement: ITSN2 is on the minus strand). VCF-style: chr2-24261128-G-T. GRCh37 (hg19) VCF-style: chr2-24483997-G-T.
Other names: c.2618C>A, p.Ser873Tyr (NM_001348181.2); c.2540C>A, p.Ser847Tyr (NM_001348182.2, NM_001348186.2); c.2579C>A, p.Ser860Tyr (NM_001348183.2, NM_019595.4); c.2537C>A, p.Ser846Tyr (NM_001348184.2); c.2621C>A, p.Ser874Tyr (NM_001348185.2); c.2660C>A, p.Ser887Tyr (NM_147152.3); c.2660C>A (NM_006277.2); short protein forms S846Y, S873Y, S847Y, S860Y, S887Y, S874Y.
Identifiers: ClinVar variation 2138348 (VCV002138348.14), dbSNP rs41281487, ClinGen allele CA1551116.
Genomic context (GRCh38, chr2:24,261,128, plus strand): 5'-TCAAAGAATAAAGCCCACAAAAATAACAGACAACATACCTGTCCATGAATAGGTGATACA[G>T]ATCCAGGGGACACAGTTCGAGTGAAGGCTGATTTTTTCTGCCATGATGTATTTACAGTTA-3'
Protein context (NP_006268.2, residues 877-897): SAFTRTVSPG[Ser887Tyr]VSPIHGQGQV